The following is an entry in ClinVar:

ClinVar aggregate classification (germline): Benign (1 of 4 stars; one submission).

Conditions:
Fanconi anemia complementation group C (FANCC). Also called: FANCONI PANCYTOPENIA, TYPE 3; FACC; Fanconi anemia, group C; FANCC-Related Fanconi Anemia. Identifiers: Orphanet 84, MedGen C3468041, MONDO:0009213, OMIM 227645.

Allele frequency attached by ClinVar (database versions not stated): gnomAD exomes 0.00227; gnomAD 0.01407 and 0.01505; TOPMed 0.01646; 1000 Genomes Project 0.01757; 1000 Genomes Project 30x 0.01889.
gnomAD v4.1: 2,677 of 385,430 alleles (0.69%); highest among the groups gnomAD compares: African/African-American, 4.8%; 60 homozygotes.

Submission:

Illumina Laboratory Services, Illumina
Classification: Benign for Fanconi anemia complementation group C. Last evaluated: 2018-01-12. Review status: criteria provided, single submitter. Criteria: ICSL Variant Classification Criteria 13 December 2019. Collection method: clinical testing. Allele origin: germline.
Comment: This variant was observed in the ICSL laboratory as part of a predisposition screen in an ostensibly healthy population. It had not been previously curated by ICSL or reported in the Human Gene Mutation Database (HGMD: prior to June 1st, 2018), and was therefore a candidate for classification through an automated scoring system. Utilizing variant allele frequency, disease prevalence and penetrance estimates, and inheritance mode, an automated score was calculated to assess if this variant is too frequent to cause the disease. Based on the score and internal cut-off values, a variant classified as benign is not then subjected to further curation. The score for this variant resulted in a classification of benign for this disease.

NM_000136.3(FANCC):c.*359A>G

Genes: AOPEP (aminopeptidase O (putative); plus strand), FANCC (FA complementation group C; minus strand). Cytogenetic location: 9q22.32.
Variant type: single nucleotide variant.
Coding change: c.*359A>G on transcript NM_000136.3 (MANE Select); 359 bases downstream of the stop codon, A replaced by G.
Molecular consequence: 3 prime UTR variant.
Genome position (GRCh38, 1-based): chr9:95,101,348, T>C on the plus strand (A>G on the coding strand, the complement: FANCC is on the minus strand). VCF-style: chr9-95101348-T-C. GRCh37 (hg19) VCF-style: chr9-97863630-T-C.
Other names: c.*359A>G (NM_001243743.2).
Identifiers: ClinVar variation 367602 (VCV000367602.5), dbSNP rs4647551, ClinGen allele CA10627699.